The following is an entry in ClinVar:

ClinVar aggregate classification (germline): Uncertain significance (1 of 4 stars; one submission).

Submission:

Labcorp Genetics (formerly Invitae), Labcorp
Classification: Uncertain significance. Last evaluated: 2023-07-16. Review status: criteria provided, single submitter. Criteria: Invitae Variant Classification Sherloc (09022015). Collection method: clinical testing. Allele origin: germline.
Comment: In summary, the available evidence is currently insufficient to determine the role of this variant in disease. Therefore, it has been classified as a Variant of Uncertain Significance. Algorithms developed to predict the effect of missense changes on protein structure and function output the following: SIFT: "Not Available"; PolyPhen-2: "Benign"; Align-GVGD: "Not Available". The valine amino acid residue is found in multiple mammalian species, which suggests that this missense change does not adversely affect protein function. This variant has not been reported in the literature in individuals affected with SPPL2A-related conditions. This variant is not present in population databases (gnomAD no frequency). This sequence change replaces glycine, which is neutral and non-polar, with valine, which is neutral and non-polar, at codon 11 of the SPPL2A protein (p.Gly11Val).

NM_032802.4(SPPL2A):c.32G>T (p.Gly11Val)

Genes: SPPL2A (signal peptide peptidase like 2A; minus strand), LOC130057047 (ATAC-STARR-seq lymphoblastoid silent region 6430; plus strand). Cytogenetic location: 15q21.2.
Variant type: single nucleotide variant.
Coding change: c.32G>T on transcript NM_032802.4 (MANE Select); coding-DNA position 32, G replaced by T.
Protein change: p.Gly11Val; replaces glycine 11 with valine.
Molecular consequence: missense variant.
Genome position (GRCh38, 1-based): chr15:50,765,502, C>A on the plus strand (G>T on the coding strand, the complement: SPPL2A is on the minus strand). VCF-style: chr15-50765502-C-A. GRCh37 (hg19) VCF-style: chr15-51057699-C-A.
Other names: short protein forms G11V.
Identifiers: ClinVar variation 2804822 (VCV002804822.3), dbSNP rs1201721537, ClinGen allele CA392462353.
Genomic context (GRCh38, chr15:50,765,502, plus strand): 5'-GCCTGCGCGCCTTCCCGCCCCCTTACCAGCTGGAGCAGGAAGCCCCAGAGTAGGGCGGCC[C>A]CGGCAGGGGACAGCCGCCGCTGCGGCCCCATCGGACTGGTGGGTGCCGGGTGGGACGGCA-3'
Protein context (NP_116191.2, residues 1-21): MGPQRRLSPA[Gly11Val]AALLWGFLLQ